The following is an entry in ClinVar:

ClinVar aggregate classification (germline): Uncertain significance (1 of 4 stars; one submission).

Conditions:
Proteosome-associated autoinflammatory syndrome. Also called: Proteasome-associated autoinflammatory syndrome. Identifiers: Orphanet 324977, MedGen C1850568, MONDO:0009726.

Allele frequency attached by ClinVar (database versions not stated): gnomAD exomes below 0.00001.
gnomAD v4.1: 1 of 1,613,476 alleles (0.000062%); highest among the groups gnomAD compares: Non-Finnish European, 0.000085%; no homozygotes.

Submission:

Labcorp Genetics (formerly Invitae), Labcorp
Classification: Uncertain significance for Proteosome-associated autoinflammatory syndrome. Last evaluated: 2024-11-04. Review status: criteria provided, single submitter. Criteria: Invitae Variant Classification Sherloc (09022015). Collection method: clinical testing. Allele origin: germline.
Comment: This sequence change replaces tyrosine, which is neutral and polar, with cysteine, which is neutral and slightly polar, at codon 271 of the PSMB8 protein (p.Tyr271Cys). This variant is not present in population databases (gnomAD no frequency). This variant has not been reported in the literature in individuals affected with PSMB8-related conditions. ClinVar contains an entry for this variant (Variation ID: 1983210). An algorithm developed to predict the effect of missense changes on protein structure and function (PolyPhen-2) suggests that this variant is likely to be disruptive. In summary, the available evidence is currently insufficient to determine the role of this variant in disease. Therefore, it has been classified as a Variant of Uncertain Significance.

NM_148919.4(PSMB8):c.812A>G (p.Tyr271Cys)

Gene: PSMB8 (proteasome 20S subunit beta 8; minus strand). Cytogenetic location: 6p21.32.
Variant type: single nucleotide variant.
Coding change: c.812A>G on transcript NM_148919.4 (MANE Select); coding-DNA position 812, A replaced by G.
Protein change: p.Tyr271Cys; replaces tyrosine 271 with cysteine.
Molecular consequence: missense variant.
Genome position (GRCh38, 1-based): chr6:32,840,978, T>C on the plus strand (A>G on the coding strand, the complement: PSMB8 is on the minus strand). VCF-style: chr6-32840978-T-C. GRCh37 (hg19) VCF-style: chr6-32808755-T-C.
Other names: c.800A>G, p.Tyr267Cys (NM_004159.5); short protein forms Y267C, Y271C.
Identifiers: ClinVar variation 1983210 (VCV001983210.4), dbSNP rs946863507, ClinGen allele CA363588127.